The following is an entry in ClinVar:

NM_000080.4(CHRNE):c.209_210del (p.Leu70fs)

Genes: C17orf107 (chromosome 17 open reading frame 107; plus strand), CHRNE (cholinergic receptor nicotinic epsilon subunit; minus strand). Cytogenetic location: 17p13.2.
Variant type: Microsatellite.
Coding change: c.209_210del on transcript NM_000080.4 (MANE Select); coding-DNA positions 209 to 210, 2 bases deleted (TC; older notation c.209_210delTC).
Protein change: p.Leu70fs; shifts the reading frame from leucine 70.
Molecular consequence: frameshift variant. On other transcripts: 3 prime UTR variant (1).
Genome position (GRCh38, 1-based): chr17:4,902,474-4,902,475, GA deleted on the plus strand (TC on the coding strand, the reverse complement: CHRNE is on the minus strand); deleting any 2 consecutive bases within chr17:4,902,474-4,902,478 gives the same sequence; the c. name uses the placement nearest the transcript's 3' end. VCF-style (leftmost placement, unchanged base first): chr17-4902473-TGA-T. GRCh37 (hg19) VCF-style: chr17-4805768-TGA-T.
Other names: c.*1942AG[1] (NM_001145536.2); c.209_210del (NM_000080.3); short protein forms L70fs.
Identifiers: ClinVar variation 2680794 (VCV002680794.6), dbSNP rs2507562677, ClinGen allele CA2635576835.

ClinVar aggregate classification (germline): Pathogenic/Likely pathogenic. Review status: criteria provided, multiple submitters, no conflicts (2 of 4 stars). 5 submissions from 5 submitters: Pathogenic (4); Likely pathogenic (1). Last evaluated 2026-01-06.

Conditions:
CHRNE-related disorder. Also called: CHRNE-related condition.
Congenital myasthenic syndrome 4B. Also called: Myasthenic syndrome, congenital, 4b, fast-channel. Identifiers: Orphanet 590, MedGen C4225369, MONDO:0014586, OMIM 616324.
Congenital myasthenic syndrome (CMS). Also called: Congenital Myasthenic Syndromes. Identifiers: Orphanet 590, MedGen C0751882, MeSH D020294, MONDO:0018940.
Congenital myasthenic syndrome 4A. Also called: Myasthenic syndrome, congenital, 4a, slow-channel; CONGENITAL MYASTHENIC SYNDROME TYPE Ia1; MYASTHENIC SYNDROME, CONGENITAL, 4A, SLOW-CHANNEL, AUTOSOMAL RECESSIVE. Identifiers: Orphanet 590, MedGen C4225413, MONDO:0011600, OMIM 605809.

Submissions (5):

3billion
Classification: Pathogenic for CHRNE-related disorder. Last evaluated: 2026-01-06. Review status: criteria provided, single submitter. Criteria: ACMG Guidelines, 2015. Collection method: clinical testing. Allele origin: germline. Affected: yes.
Comment: The variant is observed at an extremely low frequency in the gnomAD v4.1.0 dataset (total allele frequency: <0.001%). Predicted Consequence/Location: Frameshift: predicted to result in a loss or disruption of normal protein function through nonsense-mediated decay (NMD) or protein truncation. Multiple pathogenic variants are reported downstream of the variant. The variant has been reported at least twice as pathogenic with clinical assertions and evidence for the classification (ClinVar ID: VCV002680794 /PMID: 36964972). Therefore, this variant is classified as Pathogenic according to the recommendation of ACMG/AMP guideline.

Palindrome, Gene Kavoshgaran Aria
Classification: Pathogenic for Congenital myasthenic syndrome 4B. Last evaluated: 2024-07-15. Review status: criteria provided, single submitter. Criteria: ACMG Guidelines, 2015. Collection method: clinical testing. Allele origin: germline. Inheritance: Autosomal recessive inheritance. Affected: yes. Observed: 1 homozygote.

Natera, Inc.
Classification: Pathogenic for Congenital myasthenic syndrome. Last evaluated: 2024-07-08. Review status: criteria provided, single submitter. Criteria: Natera Variant Classification Schema (03/2026). Collection method: clinical testing. Allele origin: germline.
Comment: The c.209_210del variant in CHRNE is a frameshift variant predicted to shift the reading frame beginning at codon 70 and leads to a stop codon 3 codons downstream. This variant is expected to result in nonsense mediated decay, truncation, or a dysfunctional protein product. This variant is rare in the general population with a frequency below the threshold expected for the associated phenotype(s). This variant has been observed in one or more individuals affected with the associated recessive disease, as either homozygous or compound heterozygous with a second variant (PMID: 37721175, 36964972). Given the available evidence, this variant is classified as Pathogenic.

Labcorp Genetics (formerly Invitae), Labcorp
Classification: Pathogenic for Congenital myasthenic syndrome 4A. Last evaluated: 2024-02-26. Review status: criteria provided, single submitter. Criteria: Invitae Variant Classification Sherloc (09022015). Collection method: clinical testing. Allele origin: germline.
Comment: This sequence change creates a premature translational stop signal (p.Leu70Hisfs*3) in the CHRNE gene. It is expected to result in an absent or disrupted protein product. Loss-of-function variants in CHRNE are known to be pathogenic (PMID: 22678886). This variant is not present in population databases (gnomAD no frequency). This variant has not been reported in the literature in individuals affected with CHRNE-related conditions. For these reasons, this variant has been classified as Pathogenic.

Baylor Genetics
Classification: Likely pathogenic for Congenital myasthenic syndrome 4A. Last evaluated: 2023-03-15. Review status: criteria provided, single submitter. Criteria: ACMG Guidelines, 2015. Collection method: clinical testing. Allele origin: unknown.

Literature cited by the submitters: PubMed 36964972 (cited by 3billion and Natera, Inc.); PubMed 37721175 (cited by Natera, Inc.); PubMed 22678886 (cited by Labcorp Genetics (formerly Invitae), Labcorp).